The following is an entry in ClinVar:

NM_000208.4(INSR):c.*4195T>C

Gene: INSR (insulin receptor; minus strand). Cytogenetic location: 19p13.2.
Variant type: single nucleotide variant.
Coding change: c.*4195T>C on transcript NM_000208.4 (MANE Select); 4195 bases downstream of the stop codon, T replaced by C.
Molecular consequence: 3 prime UTR variant.
Genome position (GRCh38, 1-based): chr19:7,112,861, A>G on the plus strand (T>C on the coding strand, the complement: INSR is on the minus strand). VCF-style: chr19-7112861-A-G. GRCh37 (hg19) VCF-style: chr19-7112872-A-G.
Other names: c.*4195T>C (NM_001079817.3).
Identifiers: ClinVar variation 330355 (VCV000330355.5), dbSNP rs1366601, ClinGen allele CA10652288.
Genomic context (GRCh38, chr19:7,112,861, plus strand): 5'-AAATATTCACCTTCCATTGCACTCCCTGAAAGTCCACCATGTTCTTTTGTATGTTCTAGG[A>G]AAAAAAAAAGTGCTGACCTGTTCTTTTCATTCCCAACCTCACCTCGCATATAAATTAATA-3'

ClinVar aggregate classification (germline): Benign. Review status: criteria provided, single submitter (1 of 4 stars). 3 submissions from 1 submitter: Benign (3). Last evaluated 2018-01-13.

Conditions:
Leprechaunism syndrome. Also called: Donohue syndrome; LEPRECHAUNISM. Identifiers: Orphanet 508, MedGen C0265344, MONDO:0009517, OMIM 246200.
Rabson-Mendenhall syndrome. Also called: MENDENHALL SYNDROME; Pineal Hyperplasia, Insulin-Resistant Diabetes Mellitus, and Somatic Abnormalities; Pineal hyperplasia AND diabetes mellitus syndrome. Identifiers: Orphanet 769, MedGen C0271695, MONDO:0009874, OMIM 262190.
Insulin-resistant diabetes mellitus AND acanthosis nigricans. Also called: Insulin-resistance syndrome type A; INSULIN RECEPTOR, DEFECT IN, WITH INSULIN-RESISTANT DIABETES MELLITUS AND ACANTHOSIS NIGRICANS; IRAN, TYPE A; type A insulin resistance; DIABETES MELLITUS, INSULIN-RESISTANT, WITH ACANTHOSIS NIGRICANS, TYPE A. Identifiers: Orphanet 2297, MedGen C0342278, MONDO:0012520, OMIM 610549.

Allele frequency attached by ClinVar (database versions not stated): gnomAD 0.05944 and 0.06127; TOPMed 0.06655; 1000 Genomes Project 0.08347.

Submissions (3):

Illumina Laboratory Services, Illumina
Classification: Benign for Rabson-Mendenhall syndrome. Last evaluated: 2018-01-13. Review status: criteria provided, single submitter. Criteria: ICSL Variant Classification Criteria 13 December 2019. Collection method: clinical testing. Allele origin: germline.
Comment: This variant was observed in the ICSL laboratory as part of a predisposition screen in an ostensibly healthy population. It had not been previously curated by ICSL or reported in the Human Gene Mutation Database (HGMD: prior to June 1st, 2018), and was therefore a candidate for classification through an automated scoring system. Utilizing variant allele frequency, disease prevalence and penetrance estimates, and inheritance mode, an automated score was calculated to assess if this variant is too frequent to cause the disease. Based on the score and internal cut-off values, a variant classified as benign is not then subjected to further curation. The score for this variant resulted in a classification of benign for this disease.

Illumina Laboratory Services, Illumina
Classification: Benign for Insulin-resistant diabetes mellitus AND acanthosis nigricans. Last evaluated: 2018-01-13. Review status: criteria provided, single submitter. Criteria: ICSL Variant Classification Criteria 13 December 2019. Collection method: clinical testing. Allele origin: germline.
Comment: the same text as in the submission from Illumina Laboratory Services, Illumina above.

Illumina Laboratory Services, Illumina
Classification: Benign for Leprechaunism syndrome. Last evaluated: 2018-01-13. Review status: criteria provided, single submitter. Criteria: ICSL Variant Classification Criteria 13 December 2019. Collection method: clinical testing. Allele origin: germline.
Comment: the same text as in the submission from Illumina Laboratory Services, Illumina above.